The following is an entry in ClinVar:

ClinVar aggregate classification (germline): Pathogenic/Likely pathogenic. Review status: criteria provided, multiple submitters, no conflicts (2 of 4 stars). 3 submissions from 3 submitters: Pathogenic (1); Likely pathogenic (1). 1 of the submissions does not count toward it. Last evaluated 2025-03-25.

Conditions:
Seizures, benign familial infantile, 2 (BFIS2). Also called: CONVULSIONS, BENIGN FAMILIAL INFANTILE, 2. Identifiers: Orphanet 306, MedGen C1853995, MONDO:0011593, OMIM 605751.

Allele frequency attached by ClinVar (database versions not stated): gnomAD exomes below 0.00001.

Submissions (3):

Revvity Omics, Revvity
Classification: Pathogenic. Last evaluated: 2025-03-25. Review status: criteria provided, single submitter. Criteria: ACMG Guidelines, 2015. Collection method: clinical testing. Allele origin: germline.

GeneDx
Classification: Likely pathogenic. Last evaluated: 2024-01-24. Review status: criteria provided, single submitter. Criteria: GeneDx Variant Classification Process June 2021. Collection method: clinical testing. Allele origin: germline. Affected: yes.
Comment: Identified in family with HM and BFIS and found to segregate with BFIS phenotype (PMID: 24928127); Frameshift variant predicted to result in protein truncation or nonsense mediated decay in a gene for which loss of function is a known mechanism of disease; Not observed at significant frequency in large population cohorts (gnomAD); This variant is associated with the following publications: (PMID: 24928127, 32613771, 35231114, 9579893, 12953268, 31154286, 33126486, 31872056)

OMIM
Classification: Pathogenic for SEIZURES, BENIGN FAMILIAL INFANTILE, 2. Last evaluated: 2014-07-15. Review status: no assertion criteria provided. Collection method: literature only. Allele origin: germline. Not counted in ClinVar's aggregate classification.

Literature cited by the submitters: PubMed 24928127 (cited by OMIM); PubMed 9579893 (cited by OMIM); PubMed 12953268 (cited by OMIM).

NM_145239.3(PRRT2):c.650del (p.Arg217fs)

Genes: PRRT2 (proline rich transmembrane protein 2; plus strand), MVP-DT (MVP divergent transcript; minus strand). Cytogenetic location: 16p11.2.
Variant type: Deletion.
Coding change: c.650del on transcript NM_145239.3 (MANE Select); coding-DNA position 650, one base deleted (G; older notation c.650delG).
Protein change: p.Arg217fs; shifts the reading frame from arginine 217.
Molecular consequence: frameshift variant.
Genome position (GRCh38, 1-based): chr16:29,813,704, G deleted. VCF-style (leftmost placement, unchanged base first): chr16-29813703-CG-C. GRCh37 (hg19) VCF-style: chr16-29825024-CG-C.
Other names: c.650del, p.Arg217fs (NM_001256442.2, NM_001256443.2); c.650delG (NM_145239.2); short protein forms R217fs.
Identifiers: ClinVar variation 183020 (VCV000183020.7), dbSNP rs730882124, ClinGen allele CA185985.